The following is an entry in ClinVar:

NM_007186.6(CEP250):c.5596del (p.Glu1866fs)

Gene: CEP250 (centrosomal protein 250; plus strand). Cytogenetic location: 20q11.22.
Variant type: Deletion.
Coding change: c.5596del on transcript NM_007186.6 (MANE Select); coding-DNA position 5596, one base deleted (G; older notation c.5596delG).
Protein change: p.Glu1866fs; shifts the reading frame from glutamic acid 1866.
Molecular consequence: frameshift variant.
Genome position (GRCh38, 1-based): chr20:35,503,965, G deleted; the last of 2 consecutive G bases (chr20:35,503,964-35,503,965); deleting either gives the same sequence. VCF-style (leftmost placement, unchanged base first): chr20-35503963-AG-A. GRCh37 (hg19) VCF-style: chr20-34091791-AG-A.
Other names: c.3700del, p.Glu1234fs (NM_001318219.1); short protein forms E1866fs, E1234fs.
Identifiers: ClinVar variation 2821781 (VCV002821781.3), dbSNP rs34859138, ClinGen allele CA2739277150.
Genomic context (GRCh38, chr20:35,503,963, plus strand): 5'-GAGCTCTGGAGCAAGCCCATATGACACTGAAGGAGCGTCATGGAGAGCTTCAGGACCACA[AG>A]GAACAGGCACGAAGGCTGGAGGAAGAGCTGGCAGTGGAGGGACGGCGGGTCCAGGCCCTG-3'

ClinVar aggregate classification (germline): Pathogenic (1 of 4 stars; one submission).

Submission:

Labcorp Genetics (formerly Invitae), Labcorp
Classification: Pathogenic. Last evaluated: 2022-12-17. Review status: criteria provided, single submitter. Criteria: Invitae Variant Classification Sherloc (09022015). Collection method: clinical testing. Allele origin: germline.
Comment: For these reasons, this variant has been classified as Pathogenic. This variant has not been reported in the literature in individuals affected with CEP250-related conditions. This variant is not present in population databases (gnomAD no frequency). This sequence change creates a premature translational stop signal (p.Glu1866Asnfs*27) in the CEP250 gene. It is expected to result in an absent or disrupted protein product. Loss-of-function variants in CEP250 are known to be pathogenic (PMID: 24780881, 29718797).

Literature cited by the submitters: PubMed 24780881; PubMed 29718797.